The following is an entry in ClinVar:

ClinVar aggregate classification (germline): Likely benign. Review status: criteria provided, multiple submitters, no conflicts (2 of 4 stars). 3 submissions from 3 submitters: Likely benign (3). Last evaluated 2025-10-02.

Conditions:
Hereditary cancer-predisposing syndrome. Also called: Hereditary neoplastic syndrome; Tumor predisposition; Neoplastic Syndromes, Hereditary; Hereditary Cancer Syndrome. Identifiers: Orphanet 140162, MedGen C0027672, MeSH D009386, MONDO:0015356.
Familial cancer of breast. Also called: Hereditary breast cancer; BREAST CANCER, FAMILIAL; hereditary breast carcinoma. Identifiers: Orphanet 227535, MedGen C0346153, MONDO:0016419, OMIM 114480. Disease mechanism: loss of function.
Fanconi anemia complementation group J. Also called: BRIP1-Related Fanconi Anemia. Identifiers: Orphanet 84, MedGen C1836860, MONDO:0012187, OMIM 609054.

Allele frequency attached by ClinVar (database versions not stated): gnomAD exomes below 0.00001; TOPMed below 0.00001; gnomAD 0.00001.
gnomAD v4.1: 3 of 1,532,548 alleles (0.0002%); highest among the groups gnomAD compares: Non-Finnish European, 0.00027%; no homozygotes.

Submissions (3):

Labcorp Genetics (formerly Invitae), Labcorp
Classification: Likely benign for Familial cancer of breast; Fanconi anemia complementation group J. Last evaluated: 2025-10-02. Review status: criteria provided, single submitter. Criteria: Invitae Variant Classification Sherloc (09022015). Collection method: clinical testing. Allele origin: germline.

Color Diagnostics, LLC DBA Color Health
Classification: Likely benign for Hereditary cancer-predisposing syndrome. Last evaluated: 2019-02-05. Review status: criteria provided, single submitter. Criteria: ACMG Guidelines, 2015. Collection method: clinical testing. Allele origin: germline.

GeneDx
Classification: Likely benign. Last evaluated: 2016-09-28. Review status: criteria provided, single submitter. Criteria: GeneDx Variant Classification (06012015). Collection method: clinical testing. Allele origin: germline. Affected: yes.
Comment: This variant is considered likely benign or benign based on one or more of the following criteria: it is a conservative change, it occurs at a poorly conserved position in the protein, it is predicted to be benign by multiple in silico algorithms, and/or has population frequency not consistent with disease.

NM_032043.3(BRIP1):c.205+16A>G

Gene: BRIP1 (BRCA1 interacting DNA helicase 1; minus strand). Cytogenetic location: 17q23.2.
Variant type: single nucleotide variant.
Coding change: c.205+16A>G on transcript NM_032043.3 (MANE Select); 16 bases into the intron after coding-DNA position 205, A replaced by G.
Molecular consequence: intron variant.
Genome position (GRCh38, 1-based): chr17:61,859,780, T>C on the plus strand (A>G on the coding strand, the complement: BRIP1 is on the minus strand). VCF-style: chr17-61859780-T-C. GRCh37 (hg19) VCF-style: chr17-59937141-T-C.
Identifiers: ClinVar variation 377588 (VCV000377588.10), dbSNP rs1057520253, ClinGen allele CA16607757.